The following is an entry in ClinVar:

NM_001127222.2(CACNA1A):c.761C>A (p.Thr254Asn)

Gene: CACNA1A (calcium voltage-gated channel subunit alpha1 A; minus strand). Cytogenetic location: 19p13.13.
Variant type: single nucleotide variant.
Coding change: c.761C>A on transcript NM_001127222.2 (MANE Select); coding-DNA position 761, C replaced by A.
Protein change: p.Thr254Asn; replaces threonine 254 with asparagine.
Molecular consequence: missense variant.
Genome position (GRCh38, 1-based): chr19:13,365,340, G>T on the plus strand (C>A on the coding strand, the complement: CACNA1A is on the minus strand). VCF-style: chr19-13365340-G-T. GRCh37 (hg19) VCF-style: chr19-13476154-G-T.
Other names: c.761C>A, p.Thr254Asn (NM_000068.4, NM_001127221.2, NM_001174080.2 and 1 more transcripts); short protein forms T254N.
Identifiers: ClinVar variation 944533 (VCV000944533.11), dbSNP rs1599292361, ClinGen allele CA404348301.
Genomic context (GRCh38, chr19:13,365,340, plus strand): 5'-GAAAACTGGAAAGATGCATCATGCTCCGTGGACCTACCTGTCCCCTCTTCAAAGCAGGTG[G>T]TATGAAATTTTCCCATATAAAATTCTAACCCTATGATTGCAAAAATAAGGATTGCAAAAA-3'
Protein context (NP_001120694.1, residues 244-264): GLEFYMGKFH[Thr254Asn]TCFEEGTDDI

ClinVar aggregate classification (germline): Uncertain significance. Review status: criteria provided, multiple submitters, no conflicts (2 of 4 stars). 2 submissions from 2 submitters: Uncertain significance (2). Last evaluated 2022-02-19.

Conditions:
Developmental and epileptic encephalopathy, 42 (DEE42A). Also called: DEVELOPMENTAL AND EPILEPTIC ENCEPHALOPATHY 42A; EPILEPTIC ENCEPHALOPATHY, EARLY INFANTILE, 42A; Epileptic encephalopathy, early infantile, 42. Identifiers: MedGen C4310716, MONDO:0014917, OMIM 617106.
Episodic ataxia type 2 (EA2). Also called: CEREBELLAR ATAXIA, PAROXYSMAL, ACETAZOLAMIDE-RESPONSIVE; CEREBELLOPATHY, HEREDITARY PAROXYSMAL; EPISODIC ATAXIA, NYSTAGMUS-ASSOCIATED; ACETAZOLAMIDE-RESPONSIVE HEREDITARY PAROXYSMAL CEREBELLAR ATAXIA; ATAXIA, EPISODIC, WITH NYSTAGMUS; ATAXIA, FAMILIAL PAROXYSMAL. Identifiers: Orphanet 97, MedGen C1720416, MONDO:0007163, OMIM 108500.

Allele frequency attached by ClinVar (database versions not stated): TOPMed 0.00001; gnomAD 0.00001.

Submissions (2):

Labcorp Genetics (formerly Invitae), Labcorp
Classification: Uncertain significance for Developmental and epileptic encephalopathy, 42; Episodic ataxia type 2. Last evaluated: 2022-02-19. Review status: criteria provided, single submitter. Criteria: Invitae Variant Classification Sherloc (09022015). Collection method: clinical testing. Allele origin: germline.
Comment: In summary, the available evidence is currently insufficient to determine the role of this variant in disease. Therefore, it has been classified as a Variant of Uncertain Significance. Advanced modeling of protein sequence and biophysical properties (such as structural, functional, and spatial information, amino acid conservation, physicochemical variation, residue mobility, and thermodynamic stability) performed at Invitae indicates that this missense variant is not expected to disrupt CACNA1A protein function. ClinVar contains an entry for this variant (Variation ID: 944533). This variant has not been reported in the literature in individuals affected with CACNA1A-related conditions. This variant is not present in population databases (gnomAD no frequency). This sequence change replaces threonine, which is neutral and polar, with asparagine, which is neutral and polar, at codon 254 of the CACNA1A protein (p.Thr254Asn).

GeneDx
Classification: Uncertain significance. Last evaluated: 2021-05-24. Review status: criteria provided, single submitter. Criteria: GeneDx Variant Classification Process June 2021. Collection method: clinical testing. Allele origin: germline. Affected: yes.
Comment: Has not been previously published as pathogenic or benign to our knowledge; Not observed at significant frequency in large population cohorts (Lek et al., 2016); This substitution is predicted to be within the extracellular loop between the S5 and S6 transmembrane segments of the first homologous domain; In silico analysis supports that this missense variant does not alter protein structure/function